The following is an entry in ClinVar:

NM_000722.4(CACNA2D1):c.295-128_295-120del

Gene: CACNA2D1 (calcium voltage-gated channel auxiliary subunit alpha2delta 1; minus strand). Cytogenetic location: 7q21.11.
Variant type: Deletion.
Coding change: c.295-128_295-120del on transcript NM_000722.4 (MANE Select); 128 bases into the intron before coding-DNA position 295 through 120 bases into the intron before coding-DNA position 295, 9 bases deleted (GAATCATAA; older notation c.295-128_295-120delGAATCATAA).
Molecular consequence: intron variant.
Genome position (GRCh38, 1-based): chr7:82,170,729-82,170,737, TTATGATTC deleted on the plus strand (GAATCATAA on the coding strand, the reverse complement: CACNA2D1 is on the minus strand). VCF-style (leftmost placement, unchanged base first): chr7-82170728-TTTATGATTC-T. GRCh37 (hg19) VCF-style: chr7-81800044-TTTATGATTC-T.
Other names: c.295-128_295-120del (NM_001366867.1, NM_001302890.2).
Identifiers: ClinVar variation 2444666 (VCV002444666.1), dbSNP rs539975998, ClinGen allele CA161618540.

ClinVar aggregate classification (germline): Likely benign (1 of 4 stars; one submission).

Allele frequency attached by ClinVar (database versions not stated): TOPMed 0.00005; 1000 Genomes Project 30x 0.00078; 1000 Genomes Project 0.00100; gnomAD exomes 0.00100; gnomAD 0.00116.

Submission:

GeneDx
Classification: Likely benign. Last evaluated: 2021-06-22. Review status: criteria provided, single submitter. Criteria: GeneDx Variant Classification Process June 2021. Collection method: clinical testing. Allele origin: germline. Affected: yes.
Comment: See Variant Classification Assertion Criteria.